The following is an entry in ClinVar:

ClinVar aggregate classification (germline): Uncertain significance (1 of 4 stars; one submission).

Conditions:
Familial isolated arrhythmogenic right ventricular dysplasia. Identifiers: Orphanet 217656, MedGen C4274968, MONDO:0016342.

Submission:

All of Us Research Program, National Institutes of Health
Classification: Uncertain significance for Familial isolated arrhythmogenic right ventricular dysplasia. Last evaluated: 2024-07-10. Review status: criteria provided, single submitter. Criteria: ACMG Guidelines, 2015. Collection method: clinical testing. Allele origin: germline. Inheritance: Autosomal dominant inheritance. Observed: 1 variant allele, 1 heterozygote.
Comment: This variant deletes 1 nucleotide in exon 5 of the DSC2 gene, creating a frameshift and premature translation stop signal. This variant is expected to result in an absent or non-functional protein product. To our knowledge, this variant has not been reported in individuals affected with DSC2-related disorders in the literature. This variant has not been identified in the general population by the Genome Aggregation Database (gnomAD). Although there is a suspicion for a pathogenic role, clinical relevance of loss-of-function DSC2 truncation and splice variants in autosomal dominant arrhythmogenic cardiomyopathy is not yet clearly established. The available evidence is insufficient to determine the role of this variant in disease conclusively. Therefore, this variant is classified as a Variant of Uncertain Significance.

This study involves interpretation of variants in research participants for the purpose of population health screening. Participant phenotype was not available at the time of variant classification. Additional details can be found in publication PMID: 35346344, PMCID: PMC8962531

NM_024422.6(DSC2):c.627del (p.Phe209fs)

Gene: DSC2 (desmocollin 2; minus strand). Cytogenetic location: 18q12.1.
Variant type: Deletion.
Coding change: c.627del on transcript NM_024422.6 (MANE Select); coding-DNA position 627, one base deleted (T; older notation c.627delT).
Protein change: p.Phe209fs; shifts the reading frame from phenylalanine 209.
Molecular consequence: frameshift variant.
Genome position (GRCh38, 1-based): chr18:31,089,442, A deleted on the plus strand (T on the coding strand, the reverse complement: DSC2 is on the minus strand); the first of 4 consecutive A bases (chr18:31,089,442-31,089,445); deleting any one gives the same sequence. VCF-style (leftmost placement, unchanged base first): chr18-31089441-CA-C. GRCh37 (hg19) VCF-style: chr18-28669404-CA-C.
Other names: c.198del, p.Phe66fs (NM_001406506.1, NM_001406507.1); c.627del, p.Phe209fs (NM_004949.5); short protein forms F209fs, F66fs.
Identifiers: ClinVar variation 3386544 (VCV003386544.1).